The following is an entry in ClinVar:

ClinVar aggregate classification (germline): Pathogenic/Likely pathogenic. Review status: criteria provided, multiple submitters, no conflicts (2 of 4 stars). 2 submissions from 2 submitters: Pathogenic (1); Likely pathogenic (1). Last evaluated 2026-01-16.

Conditions:
Cardiovascular phenotype. Identifiers: MedGen CN230736.
Ehlers-Danlos syndrome, classic type, 1 (EDSCL1). Also called: EHLERS-DANLOS SYNDROME, GRAVIS TYPE; EHLERS-DANLOS SYNDROME, SEVERE CLASSIC TYPE; EDS I; Ehlers-Danlos Syndrome, Classic Type, COL5A1-Related; Ehlers-Danlos syndrome, type 1. Identifiers: MedGen C0268335, MONDO:0019567, OMIM 130000.
Osteogenesis imperfecta type I (OI1). Also called: OI, TYPE I; OSTEOGENESIS IMPERFECTA TARDA; OSTEOGENESIS IMPERFECTA WITH BLUE SCLERAE; Classic Non-deforming Osteogenesis Imperfecta with Blue Sclerae; Lobstein disease; Osteogenesis imperfecta type 1. Identifiers: Orphanet 216796, Orphanet 666, MedGen C0023931, MONDO:0008146, OMIM 166200. Disease mechanism: loss of function.

Submissions (2):

Ambry Genetics
Classification: Likely pathogenic for Cardiovascular phenotype. Last evaluated: 2026-01-16. Review status: criteria provided, single submitter. Criteria: Ambry Variant Classification Scheme 2023. Collection method: clinical testing. Allele origin: germline.
Comment: The c.2719G>A (p.G907S) alteration is located in exon 42 (coding exon 42) of the COL1A2 gene. This alteration results from a G to A substitution at nucleotide position 2719, causing the glycine (G) at amino acid position 907 to be replaced by a serine (S). for autosomal dominant COL1A2-related osteogenesis imperfecta/overlap disorder; however, its clinical significance for autosomal recessive COL1A2-related cardiac valvular type Ehlers-Danlos syndrome and autosomal dominant COL1A2-related arthrochalasia type Ehlers-Danlos syndrome is uncertain. This variant was not reported in population-based cohorts in the Genome Aggregation Database (gnomAD). This variant was reported in individual(s) with features consistent with COL1A2-related osteogenesis imperfecta/overlap disorder (external communication). Other variants at the same codon, p.G907R and p.G907D, have been identified in individuals with features consistent with COL1A2-related osteogenesis imperfecta/overlap disorder (Baldwin, 1989; Silveira, 2021). This amino acid position is highly conserved in available vertebrate species. The majority of pathogenic mutations identified to date in COL1A2 have involved the substitution of another amino acid for glycine within the triple-helical domain (Dalgleish, 1997; Marini, 2007; Bardai, 2016). Internal structural analysis indicates that this alteration disrupts the characteristic G-X-Y motif in theCOL1A2protein and inserts a bulky side chain into asterically-constrainedregion (Bella, 1994; Hohenester, 2008; Ambry internal data). This alteration is predicted to be deleterious by in silico analysis. Based on the available evidence, this alteration is classified as likely pathogenic.

Labcorp Genetics (formerly Invitae), Labcorp
Classification: Pathogenic for Osteogenesis imperfecta type I; Ehlers-Danlos syndrome, classic type, 1. Last evaluated: 2025-01-06. Review status: criteria provided, single submitter. Criteria: Invitae Variant Classification Sherloc (09022015). Collection method: clinical testing. Allele origin: germline.
Comment: This sequence change replaces glycine, which is neutral and non-polar, with serine, which is neutral and polar, at codon 907 of the COL1A2 protein (p.Gly907Ser). This variant is not present in population databases (gnomAD no frequency). This missense change has been observed in individual(s) with clinical features of osteogenesis imperfecta (internal data). ClinVar contains an entry for this variant (Variation ID: 456822). Invitae Evidence Modeling of protein sequence and biophysical properties (such as structural, functional, and spatial information, amino acid conservation, physicochemical variation, residue mobility, and thermodynamic stability) indicates that this missense variant is expected to disrupt COL1A2 protein function with a positive predictive value of 95%. This variant disrupts the triple helix domain of COL1A2. Glycine residues within the Gly-Xaa-Yaa repeats of the triple helix domain are required for the structure and stability of fibrillar collagens (PMID: 7695699, 8218237, 19344236). In COL1A2, variants affecting these glycine residues are significantly enriched in individuals with disease (PMID: 9016532, 17078022) compared to the general population (ExAC). For these reasons, this variant has been classified as Pathogenic.

Literature cited by the submitters: PubMed 2914942 (cited by Ambry Genetics); PubMed 7695699 (cited by Ambry Genetics and Labcorp Genetics (formerly Invitae), Labcorp); PubMed 9016532 (cited by Ambry Genetics and Labcorp Genetics (formerly Invitae), Labcorp); PubMed 17078022 (cited by Ambry Genetics and Labcorp Genetics (formerly Invitae), Labcorp); PubMed 19011090 (cited by Ambry Genetics); PubMed 27509835 (cited by Ambry Genetics); PubMed 34529350 (cited by Ambry Genetics); PubMed 8218237 (cited by Labcorp Genetics (formerly Invitae), Labcorp); PubMed 19344236 (cited by Labcorp Genetics (formerly Invitae), Labcorp).

NM_000089.4(COL1A2):c.2719G>A (p.Gly907Ser)

Gene: COL1A2 (collagen type I alpha 2 chain; plus strand). Cytogenetic location: 7q21.3.
Variant type: single nucleotide variant.
Coding change: c.2719G>A on transcript NM_000089.4 (MANE Select); coding-DNA position 2719, G replaced by A.
Protein change: p.Gly907Ser; replaces glycine 907 with serine.
Molecular consequence: missense variant.
Genome position (GRCh38, 1-based): chr7:94,425,162, G>A. VCF-style: chr7-94425162-G-A. GRCh37 (hg19) VCF-style: chr7-94054474-G-A.
Other names: short protein forms G907S.
Identifiers: ClinVar variation 456822 (VCV000456822.11), dbSNP rs1554398251, ClinGen allele CA368224473.